The following is an entry in ClinVar:

ClinVar aggregate classification (germline): Uncertain significance. Review status: criteria provided, multiple submitters, no conflicts (2 of 4 stars). 3 submissions from 3 submitters: Uncertain significance (3). Last evaluated 2025-09-03.

Conditions:
Bardet-Biedl syndrome (BBS). Identifiers: Orphanet 110, MedGen C0752166, MONDO:0015229.
WDPCP-related disorder. Also called: WDPCP-related condition.
Bardet-Biedl syndrome 15 (BBS15). Identifiers: Orphanet 110, MedGen C3150127, MONDO:0014443, OMIM 615992.
Heart defect - tongue hamartoma - polysyndactyly syndrome. Also called: Congenital heart defects, hamartomas of tongue, and polysyndactyly. Identifiers: Orphanet 1338, MedGen C1857587, MONDO:0009008, OMIM 217085.

Allele frequency attached by ClinVar (database versions not stated): gnomAD 0.00001; gnomAD exomes below 0.00001.
gnomAD v4.1: 4 of 1,614,078 alleles (0.00025%); highest among the groups gnomAD compares: Admixed American, 0.0067%; no homozygotes.

Submissions (3):

PreventionGenetics, part of Exact Sciences
Classification: Uncertain significance for WDPCP-related condition. Last evaluated: 2025-09-03. Review status: criteria provided, single submitter. Criteria: ACMG Guidelines, 2015. Collection method: clinical testing. Allele origin: germline.
Comment: The WDPCP c.1108G>C variant is predicted to result in the amino acid substitution p.Val370Leu. To our knowledge, this variant has not been reported in the literature. This variant is reported in 0.0057% of alleles in individuals of Latino descent in gnomAD. At this time, the clinical significance of this variant is uncertain due to the absence of conclusive functional and genetic evidence.

Fulgent Genetics
Classification: Uncertain significance for Heart defect - tongue hamartoma - polysyndactyly syndrome; Bardet-Biedl syndrome 15. Last evaluated: 2024-01-12. Review status: criteria provided, single submitter. Criteria: ACMG Guidelines, 2015. Collection method: clinical testing. Allele origin: germline.

Labcorp Genetics (formerly Invitae), Labcorp
Classification: Uncertain significance for Bardet-Biedl syndrome. Last evaluated: 2022-06-09. Review status: criteria provided, single submitter. Criteria: Invitae Variant Classification Sherloc (09022015). Collection method: clinical testing. Allele origin: germline.
Comment: This sequence change replaces valine, which is neutral and non-polar, with leucine, which is neutral and non-polar, at codon 370 of the WDPCP protein (p.Val370Leu). This variant is present in population databases (no rsID available, gnomAD 0.006%). This variant has not been reported in the literature in individuals affected with WDPCP-related conditions. Algorithms developed to predict the effect of missense changes on protein structure and function (SIFT, PolyPhen-2, Align-GVGD) all suggest that this variant is likely to be tolerated. In summary, the available evidence is currently insufficient to determine the role of this variant in disease. Therefore, it has been classified as a Variant of Uncertain Significance.

NM_015910.7(WDPCP):c.1108G>C (p.Val370Leu)

Gene: WDPCP (WD repeat containing planar cell polarity effector; minus strand). Cytogenetic location: 2p15.
Variant type: single nucleotide variant.
Coding change: c.1108G>C on transcript NM_015910.7 (MANE Select); coding-DNA position 1108, G replaced by C.
Protein change: p.Val370Leu; replaces valine 370 with leucine.
Molecular consequence: missense variant. On other transcripts: non-coding transcript variant (3).
Genome position (GRCh38, 1-based): chr2:63,404,375, C>G on the plus strand (G>C on the coding strand, the complement: WDPCP is on the minus strand). VCF-style: chr2-63404375-C-G. GRCh37 (hg19) VCF-style: chr2-63631510-C-G.
Other names: c.631G>C, p.Val211Leu (NM_001042692.3); c.1036G>C, p.Val346Leu (NM_001354044.2); c.1108G>C, p.Val370Leu (NM_001354045.2); c.1108G>C (NM_015910.5); short protein forms V346L, V211L, V370L.
Identifiers: ClinVar variation 2160068 (VCV002160068.3), dbSNP rs1201601063, ClinGen allele CA347065127.
Genomic context (GRCh38, chr2:63,404,375, plus strand): 5'-CACCACTTGGGTGGCAGCTTATTAATGAAGGCAAAAGTTCAGTCTGTGCTAAGAGAGTCA[C>G]TCTACGGTGAGTTTCATAAAGAATTAGCGAAGAATCTTCACAGCCCAGAATCAGTTTGTC-3'
Protein context (NP_056994.3, residues 360-380): SLILYETHRR[Val370Leu]TLLAQTELLP